The following is an entry in ClinVar:

ClinVar aggregate classification (germline): Uncertain significance. Review status: criteria provided, single submitter (1 of 4 stars). 2 submissions from 2 submitters: Uncertain significance (1). 1 of the submissions does not count toward it. Last evaluated 2021-02-16.

Conditions:
OBSL1-related disorder. Also called: OBSL1-related condition.

Allele frequency attached by ClinVar (database versions not stated): gnomAD 0.00001; gnomAD exomes 0.00001; ExAC 0.00002; TOPMed 0.00004.

Submissions (2):

Labcorp Genetics (formerly Invitae), Labcorp
Classification: Uncertain significance. Last evaluated: 2021-02-16. Review status: criteria provided, single submitter. Criteria: Invitae Variant Classification Sherloc (09022015). Collection method: clinical testing. Allele origin: germline.
Comment: In summary, the available evidence is currently insufficient to determine the role of this variant in disease. Therefore, it has been classified as a Variant of Uncertain Significance. Algorithms developed to predict the effect of missense changes on protein structure and function are either unavailable or do not agree on the potential impact of this missense change (SIFT: "Tolerated"; PolyPhen-2: "Possibly Damaging"; Align-GVGD: "Class C0"). This variant has not been reported in the literature in individuals with OBSL1-related conditions. This variant is present in population databases (rs779253235, ExAC 0.003%). This sequence change replaces threonine with alanine at codon 496 of the OBSL1 protein (p.Thr496Ala). The threonine residue is moderately conserved and there is a small physicochemical difference between threonine and alanine.

PreventionGenetics, part of Exact Sciences
Classification: Uncertain significance for OBSL1-related condition. Last evaluated: 2024-06-12. Review status: no assertion criteria provided. Collection method: clinical testing. Allele origin: germline. Not counted in ClinVar's aggregate classification.
Comment: The OBSL1 c.1486A>G variant is predicted to result in the amino acid substitution p.Thr496Ala. To our knowledge, this variant has not been reported in the literature. This variant is reported in 0.0027% of alleles in individuals of European (Non-Finnish) descent in gnomAD. At this time, the clinical significance of this variant is uncertain due to the absence of conclusive functional and genetic evidence.

NM_015311.3(OBSL1):c.1486A>G (p.Thr496Ala)

Gene: OBSL1 (obscurin like cytoskeletal adaptor 1; minus strand). Cytogenetic location: 2q35.
Variant type: single nucleotide variant.
Coding change: c.1486A>G on transcript NM_015311.3 (MANE Select); coding-DNA position 1486, A replaced by G.
Protein change: p.Thr496Ala; replaces threonine 496 with alanine.
Molecular consequence: missense variant.
Genome position (GRCh38, 1-based): chr2:219,567,766, T>C on the plus strand (A>G on the coding strand, the complement: OBSL1 is on the minus strand). VCF-style: chr2-219567766-T-C. GRCh37 (hg19) VCF-style: chr2-220432488-T-C.
Other names: c.1486A>G (NM_015311.2); c.1486A>G, p.Thr496Ala (NM_001173408.2, NM_001173431.2); short protein forms T496A.
Identifiers: ClinVar variation 1413917 (VCV001413917.9), dbSNP rs779253235, ClinGen allele CA2131524.